The following is an entry in ClinVar:

NM_016562.4(TLR7):c.2275A>G (p.Ile759Val)

Gene: TLR7 (toll like receptor 7; plus strand). Cytogenetic location: Xp22.2.
Variant type: single nucleotide variant.
Coding change: c.2275A>G on transcript NM_016562.4 (MANE Select); coding-DNA position 2275, A replaced by G.
Protein change: p.Ile759Val; replaces isoleucine 759 with valine.
Molecular consequence: missense variant.
Genome position (GRCh38, 1-based): chrX:12,887,783, A>G. VCF-style: chrX-12887783-A-G. GRCh37 (hg19) VCF-style: chrX-12905902-A-G.
Other names: short protein forms I759V.
Identifiers: ClinVar variation 2078195 (VCV002078195.4), dbSNP rs140890736, ClinGen allele CA10350070.

ClinVar aggregate classification (germline): Uncertain significance (1 of 4 stars; one submission).

Allele frequency attached by ClinVar (database versions not stated): TOPMed 0.00009; gnomAD 0.00010; ExAC 0.00011; gnomAD exomes 0.00013; ESP Exome Variant Server 0.00028.
gnomAD v4.1: 164 of 1,210,614 alleles (0.014%); highest among the groups gnomAD compares: Non-Finnish European, 0.016%; no homozygotes.

Submission:

Labcorp Genetics (formerly Invitae), Labcorp
Classification: Uncertain significance. Last evaluated: 2025-08-08. Review status: criteria provided, single submitter. Criteria: Invitae Variant Classification Sherloc (09022015). Collection method: clinical testing. Allele origin: germline.
Comment: This sequence change replaces isoleucine, which is neutral and non-polar, with valine, which is neutral and non-polar, at codon 759 of the TLR7 protein (p.Ile759Val). This variant is present in population databases (rs140890736, gnomAD 0.02%). This variant has not been reported in the literature in individuals affected with TLR7-related conditions. ClinVar contains an entry for this variant (Variation ID: 2078195). An algorithm developed to predict the effect of missense changes on protein structure and function (PolyPhen-2) suggests that this variant is likely to be disruptive. Experimental studies are conflicting or provide insufficient evidence to determine the effect of this variant on TLR7 function (PMID: 34413140). In summary, the available evidence is currently insufficient to determine the role of this variant in disease. Therefore, it has been classified as a Variant of Uncertain Significance.

Literature cited by the submitters: PubMed 34413140.